The following is an entry in ClinVar:

NM_138694.4(PKHD1):c.3363_3364insATATA (p.Gly1122delinsIleTer)

Gene: PKHD1 (PKHD1 ciliary IPT domain containing fibrocystin/polyductin; minus strand). Cytogenetic location: 6p12.2.
Variant type: Microsatellite.
Coding change: c.3363_3364insATATA on transcript NM_138694.4 (MANE Select); coding-DNA positions 3363 to 3364, ATATA inserted.
Protein change: p.Gly1122delinsIleTer.
Molecular consequence: nonsense.
Genome position: GRCh38 VCF-style: chr6-52033030-C-CTATAT. GRCh37 (hg19) VCF-style: chr6-51897828-C-CTATAT.
Other names: c.3363_3364insATATA, p.Gly1122delinsIleTer (NM_170724.3).
Identifiers: ClinVar variation 2631304 (VCV002631304.2), dbSNP rs2532871074.
Genomic context (GRCh38, chr6:52,033,030, plus strand): 5'-CCCTTTTTATAGGACCAATGCTCTAAGAAGAAAAAGATCTTGCAGTATCACATATTTTAC[C>CTATAT]TGCTATATTGCTTATGTTTCTGCTCAGAGTCACAATAACTGGATTTAAGGAAGAGACATA-3'

ClinVar aggregate classification (germline): Likely pathogenic. Review status: criteria provided, multiple submitters, no conflicts (2 of 4 stars). 2 submissions from 2 submitters: Likely pathogenic (2). Last evaluated 2023-07-24.

Conditions:
Polycystic kidney disease 4 (PKD4). Also called: POLYCYSTIC KIDNEY AND HEPATIC DISEASE 1; POLYCYSTIC KIDNEY DISEASE, INFANTILE, TYPE I; PKD3; Autosomal Recessive Polycystic Kidney Disease – PKHD1; POLYCYSTIC KIDNEY DISEASE 4 WITH OR WITHOUT POLYCYSTIC LIVER DISEASE. Identifiers: MedGen C4540575, MONDO:0033004, OMIM 263200.
PKHD1-related disorder. Also called: PKHD1-related condition.

Submissions (2):

PreventionGenetics, part of Exact Sciences
Classification: Likely pathogenic for PKHD1-related condition. Last evaluated: 2023-07-24. Review status: criteria provided, single submitter. Criteria: ACMG Guidelines, 2015. Collection method: clinical testing. Allele origin: germline.
Comment: The PKHD1 c.3363_3364insATATA variant is predicted to result in a frameshift and premature protein termination (p.Gly1122Ilefs*2). To our knowledge, this variant has not been reported in the literature or in a large population database, indicating this variant is rare. Frameshift variants in PKHD1 are expected to be pathogenic. This variant is interpreted as likely pathogenic.

Baylor Genetics
Classification: Likely pathogenic for Polycystic kidney disease 4. Last evaluated: 2023-03-30. Review status: criteria provided, single submitter. Criteria: ACMG Guidelines, 2015. Collection method: clinical testing. Allele origin: unknown.